The following is an entry in ClinVar:

ClinVar aggregate classification (germline): Pathogenic. Review status: criteria provided, single submitter (1 of 4 stars). 3 submissions from 2 submitters: Pathogenic (1). 2 of the submissions do not count toward it. Last evaluated 2022-08-12.

Conditions:
G6PD JAPAN.
Anemia, nonspherocytic hemolytic, due to G6PD deficiency (CNSHA1). Also called: ANEMIA, CONGENITAL, NONSPHEROCYTIC HEMOLYTIC, 1; Class I glucose-6-phosphate dehydrogenase deficiency; Favism, susceptibility to; Hemolytic anemia due to G6PD deficiency. Identifiers: Orphanet 466026, MedGen C2720289, MONDO:0010480, OMIM 300908.

Submissions (3):

Dunham Lab, University of Washington
Classification: Pathogenic for Anemia, nonspherocytic hemolytic, due to G6PD deficiency. Last evaluated: 2022-08-12. Review status: criteria provided, single submitter. Criteria: Bayesian ACMG Guidelines, 2018. Collection method: curation. Allele origin: unknown. Affected: yes.
Comment: Variant found in unrelated hemizygotes with deficiency and CNSHA (PS4_M, PP4). Decreased activity in red blood cells (0-3%) (PS3). Within dimer interface (PM1). Not found in gnomAD (PM2). Post_P 0.997 (odds of pathogenicity 3158, Prior_P 0.1).

OMIM
Classification: other for G6PD JAPAN. Last evaluated: 2024-10-11. Review status: no assertion criteria provided. Collection method: literature only. Allele origin: germline. Not counted in ClinVar's aggregate classification.

OMIM
Classification: Pathogenic for ANEMIA, CONGENITAL, NONSPHEROCYTIC HEMOLYTIC, 1. Last evaluated: 2024-10-11. Review status: no assertion criteria provided. Collection method: literature only. Allele origin: germline. Not counted in ClinVar's aggregate classification.

Literature cited by the submitters: PubMed 8193373 (cited by Dunham Lab, University of Washington); PubMed 1611091 (cited by Dunham Lab, University of Washington); PubMed 9674740 (cited by Dunham Lab, University of Washington); PubMed 31294066 (cited by Dunham Lab, University of Washington); PubMed 6344088 (cited by OMIM).

NM_000402.4(G6PD):c.1319G>A (p.Gly440Asp)

Gene: G6PD (glucose-6-phosphate dehydrogenase; minus strand). Cytogenetic location: Xq28.
Variant type: single nucleotide variant.
Coding change: c.1319G>A on transcript NM_000402.4; coding-DNA position 1319, G replaced by A.
Protein change: p.Gly440Asp; replaces glycine 440 with aspartic acid.
Molecular consequence: missense variant.
Genome position (GRCh38, 1-based): chrX:154,532,625, C>T on the plus strand (G>A on the coding strand, the complement: G6PD is on the minus strand). VCF-style: chrX-154532625-C-T. GRCh37 (hg19) VCF-style: chrX-153760840-C-T.
Other names: G6PD, GLY410ASP; G6PD Japan; G6PD Shinagawa; c.1229G>A, p.Gly410Asp (NM_001042351.3, NM_001360016.2); short protein forms G410D, G440D.
Identifiers: ClinVar variation 10398 (VCV000010398.5), dbSNP rs137852336, ClinGen allele CA121010.